The following is an entry in ClinVar:

NM_001035.3(RYR2):c.9301C>G (p.Leu3101Val)

Gene: RYR2 (ryanodine receptor 2; plus strand). Cytogenetic location: 1q43.
Variant type: single nucleotide variant.
Coding change: c.9301C>G on transcript NM_001035.3 (MANE Select); coding-DNA position 9301, C replaced by G.
Protein change: p.Leu3101Val; replaces leucine 3101 with valine.
Molecular consequence: missense variant.
Genome position (GRCh38, 1-based): chr1:237,700,401, C>G. VCF-style: chr1-237700401-C-G. GRCh37 (hg19) VCF-style: chr1-237863701-C-G.
Other names: short protein forms L3101V.
Identifiers: ClinVar variation 2735646 (VCV002735646.4), dbSNP rs2547365624, ClinGen allele CA345406125.
Genomic context (GRCh38, chr1:237,700,401, plus strand): 5'-ACTCACACCCGAAACCAGCCCAAAGGGGTTACTCAGATTATCAATTACACCACAGTGGCC[C>G]TGCTGCCAATGCTGTCTTCATTATTTGAACATATTGGCCAGCATCAGTTCGGAGAAGACC-3'
Protein context (NP_001026.2, residues 3091-3111): TQIINYTTVA[Leu3101Val]LPMLSSLFEH

ClinVar aggregate classification (germline): Uncertain significance. Review status: criteria provided, multiple submitters, no conflicts (2 of 4 stars). 2 submissions from 2 submitters: Uncertain significance (2). Last evaluated 2023-09-26.

Conditions:
Catecholaminergic polymorphic ventricular tachycardia 1. Also called: VENTRICULAR TACHYCARDIA, CATECHOLAMINERGIC POLYMORPHIC, 1, WITH OR WITHOUT ATRIAL DYSFUNCTION AND/OR DILATED CARDIOMYOPATHY; RYR2-Related Catecholaminergic Polymorphic Ventricular Tachycardia; VENTRICULAR TACHYCARDIA, STRESS-INDUCED POLYMORPHIC 1. Identifiers: Orphanet 3286, MedGen C1631597, MONDO:0011484, OMIM 604772.

Submissions (2):

Labcorp Genetics (formerly Invitae), Labcorp
Classification: Uncertain significance for Catecholaminergic polymorphic ventricular tachycardia 1. Last evaluated: 2023-09-26. Review status: criteria provided, single submitter. Criteria: Invitae Variant Classification Sherloc (09022015). Collection method: clinical testing. Allele origin: germline.
Comment: In summary, the available evidence is currently insufficient to determine the role of this variant in disease. Therefore, it has been classified as a Variant of Uncertain Significance. Advanced modeling of protein sequence and biophysical properties (such as structural, functional, and spatial information, amino acid conservation, physicochemical variation, residue mobility, and thermodynamic stability) performed at Invitae indicates that this missense variant is not expected to disrupt RYR2 protein function. This variant has not been reported in the literature in individuals affected with RYR2-related conditions. This variant is not present in population databases (gnomAD no frequency). This sequence change replaces leucine, which is neutral and non-polar, with valine, which is neutral and non-polar, at codon 3101 of the RYR2 protein (p.Leu3101Val).

Blueprint Genetics
Classification: Uncertain significance. Last evaluated: 2018-11-06. Review status: criteria provided, single submitter. Criteria: ACMG Guidelines, 2015. Collection method: clinical testing. Allele origin: germline.